The following is an entry in ClinVar:

NM_000416.3(IFNGR1):c.86-2817G>A

Gene: IFNGR1 (interferon gamma receptor 1; minus strand). Cytogenetic location: 6q23.3.
Variant type: single nucleotide variant.
Coding change: c.86-2817G>A on transcript NM_000416.3 (MANE Select); 2817 bases into the intron before coding-DNA position 86, G replaced by A.
Molecular consequence: intron variant.
Genome position (GRCh38, 1-based): chr6:137,209,894, C>T on the plus strand (G>A on the coding strand, the complement: IFNGR1 is on the minus strand). VCF-style: chr6-137209894-C-T. GRCh37 (hg19) VCF-style: chr6-137531031-C-T.
Other names: c.56-2817G>A (NM_001363526.1); c.-38-2817G>A (NM_001363527.1).
Identifiers: ClinVar variation 2688425 (VCV002688425.2), dbSNP rs9376267, ClinGen allele CA15449049.

ClinVar aggregate classification (germline): Benign (1 of 4 stars; one submission).

Allele frequency attached by ClinVar (database versions not stated): TOPMed 0.21967; gnomAD 0.23041; gnomAD exomes 0.26031; 1000 Genomes Project 30x 0.31605; 1000 Genomes Project 0.32268.
gnomAD v4.1: 99,212 of 398,504 alleles (25%); highest among the groups gnomAD compares: South Asian, 54%; 13,598 homozygotes.

Submission:

Unidad de Genómica Garrahan, Hospital de Pediatría Garrahan
Classification: Benign. Last evaluated: 2024-01-24. Review status: criteria provided, single submitter. Criteria: ACMG Guidelines, 2015. Collection method: clinical testing. Allele origin: germline. Affected: no. Observed: 40 variant alleles.
Comment: This variant is classified as Benign based on local population frequency. This variant was detected in 45% of patients studied by a panel of primary immunodeficiencies. Number of patients: 40. Only high quality variants are reported.